The following is an entry in ClinVar:

ClinVar aggregate classification (germline): Likely benign (1 of 4 stars; one submission).

gnomAD v4.1: 158 of 1,613,358 alleles (0.0098%); highest among the groups gnomAD compares: East Asian, 0.0089%; 1 homozygote.

Submission:

CeGaT Center for Human Genetics Tuebingen
Classification: Likely benign. Last evaluated: 2026-02-01. Review status: criteria provided, single submitter. Criteria: CeGaT Center For Human Genetics Tuebingen Variant Classification Criteria Version 2. Collection method: clinical testing. Allele origin: germline. Affected: yes. Observed: 1 variant allele.
Comment: BRPF1: BP4, BP7

NM_001003694.2(BRPF1):c.1290C>T (p.Gly430=)

Gene: BRPF1 (bromodomain and PHD finger containing 1; plus strand). Cytogenetic location: 3p25.3.
Variant type: single nucleotide variant.
Coding change: c.1290C>T on transcript NM_001003694.2 (MANE Select); coding-DNA position 1290, C replaced by T.
Protein change: p.Gly430=; no amino-acid change (glycine 430 retained).
Molecular consequence: synonymous variant. On other transcripts: non-coding transcript variant (1).
Genome position (GRCh38, 1-based): chr3:9,739,689, C>T. VCF-style: chr3-9739689-C-T. GRCh37 (hg19) VCF-style: chr3-9781373-C-T.
Other names: c.1290C>T, p.Gly430= (NM_001319049.2, NM_001319050.2, NM_001410704.1 and 7 more transcripts).
Identifiers: ClinVar variation 4821062 (VCV004821062.4).